The following is an entry in ClinVar:

ClinVar aggregate classification (germline): Uncertain significance. Review status: criteria provided, multiple submitters, no conflicts (2 of 4 stars). 3 submissions from 3 submitters: Uncertain significance (3). Last evaluated 2025-10-08.

Conditions:
Inborn genetic diseases. Identifiers: MedGen C0950123, MeSH D030342.
Epidermolysis bullosa simplex 5B, with muscular dystrophy (EBS5B). Also called: EPIDERMOLYSIS BULLOSA SIMPLEX AND LIMB-GIRDLE MUSCULAR DYSTROPHY; Epidermolysis bullosa simplex with muscular dystrophy. Identifiers: Orphanet 257, MedGen C2931072, MONDO:0009181, OMIM 226670.
Epidermolysis bullosa simplex, Ogna type (EBS5A). Also called: Pidermolysis bullosa simplex 5A, Ogna type; EPIDERMOLYSIS BULLOSA SIMPLEX 5A, OGNA TYPE. Identifiers: Orphanet 79401, MedGen C0432317, MONDO:0007555, OMIM 131950.
Autosomal recessive limb-girdle muscular dystrophy type 2Q (LGMDR17). Also called: MUSCULAR DYSTROPHY, LIMB-GIRDLE, AUTOSOMAL RECESSIVE 17. Identifiers: Orphanet 254361, MedGen C3150989, MONDO:0013390, OMIM 613723.
Epidermolysis bullosa simplex 5C, with pyloric atresia (EBS5C). Also called: Epidermolysis bullosa simplex with pyloric atresia; PLEC1-Related Epidermolysis Bullosa with Pyloric Atresia; PLEC-Related Epidermolysis Bullosa with Pyloric Atresia. Identifiers: Orphanet 158684, MedGen C2677349, MONDO:0012807, OMIM 612138.
Epidermolysis bullosa simplex with nail dystrophy (EBS5D). Identifiers: MedGen C4225309, MONDO:0014661, OMIM 616487.

Allele frequency attached by ClinVar (database versions not stated): gnomAD exomes below 0.00001 and 0.00001; gnomAD 0.00001; TOPMed 0.00001.
gnomAD v4.1: 19 of 1,613,654 alleles (0.0012%); highest among the groups gnomAD compares: Non-Finnish European, 0.0014%; no homozygotes.

Submissions (3):

Labcorp Genetics (formerly Invitae), Labcorp
Classification: Uncertain significance for Autosomal recessive limb-girdle muscular dystrophy type 2Q; Epidermolysis bullosa simplex, Ogna type; Epidermolysis bullosa simplex with nail dystrophy; Epidermolysis bullosa simplex 5C, with pyloric atresia; Epidermolysis bullosa simplex 5B, with muscular dystrophy. Last evaluated: 2025-10-08. Review status: criteria provided, single submitter. Criteria: Invitae Variant Classification Sherloc (09022015). Collection method: clinical testing. Allele origin: germline.
Comment: This sequence change replaces leucine, which is neutral and non-polar, with phenylalanine, which is neutral and non-polar, at codon 4098 of the PLEC protein (p.Leu4098Phe). This variant is present in population databases (no rsID available, gnomAD 0.0009%). This variant has not been reported in the literature in individuals affected with PLEC-related conditions. ClinVar contains an entry for this variant (Variation ID: 497126). Invitae Evidence Modeling of protein sequence and biophysical properties (such as structural, functional, and spatial information, amino acid conservation, physicochemical variation, residue mobility, and thermodynamic stability) indicates that this missense variant is not expected to disrupt PLEC protein function with a negative predictive value of 80%. In summary, the available evidence is currently insufficient to determine the role of this variant in disease. Therefore, it has been classified as a Variant of Uncertain Significance.

Ambry Genetics
Classification: Uncertain significance for Inborn genetic diseases. Last evaluated: 2024-11-21. Review status: criteria provided, single submitter. Criteria: Ambry Variant Classification Scheme 2023. Collection method: clinical testing. Allele origin: germline.

Eurofins Ntd Llc (ga)
Classification: Uncertain significance. Last evaluated: 2016-12-03. Review status: criteria provided, single submitter. Criteria: EGL Classification Definitions 2015. Collection method: clinical testing. Allele origin: germline. Observed: 3 variant alleles, 3 heterozygotes.

NM_201384.3(PLEC):c.12211C>T (p.Leu4071Phe)

Gene: PLEC (plectin; minus strand). Cytogenetic location: 8q24.3.
Variant type: single nucleotide variant.
Coding change: c.12211C>T on transcript NM_201384.3 (MANE Select); coding-DNA position 12211, C replaced by T.
Protein change: p.Leu4071Phe; replaces leucine 4071 with phenylalanine.
Molecular consequence: missense variant.
Genome position (GRCh38, 1-based): chr8:143,917,610, G>A on the plus strand (C>T on the coding strand, the complement: PLEC is on the minus strand). VCF-style: chr8-143917610-G-A. GRCh37 (hg19) VCF-style: chr8-144991778-G-A.
Other names: c.12292C>T, p.Leu4098Phe (NM_000445.5); c.12169C>T, p.Leu4057Phe (NM_201378.4); c.12145C>T, p.Leu4049Phe (NM_201379.3); c.12622C>T, p.Leu4208Phe (NM_201380.4); c.12115C>T, p.Leu4039Phe (NM_201381.3); c.12211C>T, p.Leu4071Phe (NM_201382.4); c.12223C>T, p.Leu4075Phe (NM_201383.3); c.12292C>T (NM_000445.3); short protein forms L4039F, L4049F, L4057F, L4071F, L4075F, L4098F, L4208F.
Identifiers: ClinVar variation 497126 (VCV000497126.10), dbSNP rs1453717440, ClinGen allele CA372485263.
Genomic context (GRCh38, chr8:143,917,610, plus strand): 5'-AGAAGCCCTTGGTGTCGTCCGAGGGGTCGGTCAGGATCTCGTTCATCTCCTCATCGAAGA[G>A]GCCGCGCTTGTAGGCCACCTCCACGGGCAGCCGGTGGCTCTCCTCAGGGTCGATGATGCC-3'
Protein context (NP_958786.1, residues 4061-4081): LPVEVAYKRG[Leu4071Phe]FDEEMNEILT